The following is an entry in ClinVar:

ClinVar aggregate classification (germline): Uncertain significance (1 of 4 stars; one submission).

Conditions:
KBG syndrome (KBGS). Also called: ANKRD11-Related KBG Syndrome. Identifiers: Orphanet 2332, MedGen C0220687, MONDO:0007846, OMIM 148050.

Allele frequency attached by ClinVar (database versions not stated): ExAC 0.00003.
gnomAD v4.1: 12 of 1,613,066 alleles (0.00074%); highest among the groups gnomAD compares: African/African-American, 0.0067%; no homozygotes.

Submission:

Labcorp Genetics (formerly Invitae), Labcorp
Classification: Uncertain significance for KBG syndrome. Last evaluated: 2025-04-11. Review status: criteria provided, single submitter. Criteria: Invitae Variant Classification Sherloc (09022015). Collection method: clinical testing. Allele origin: germline.
Comment: This sequence change replaces lysine, which is basic and polar, with glutamic acid, which is acidic and polar, at codon 1992 of the ANKRD11 protein (p.Lys1992Glu). This variant is present in population databases (rs763207005, gnomAD 0.03%). This variant has not been reported in the literature in individuals affected with ANKRD11-related conditions. ClinVar contains an entry for this variant (Variation ID: 2884466). Invitae Evidence Modeling of protein sequence and biophysical properties (such as structural, functional, and spatial information, amino acid conservation, physicochemical variation, residue mobility, and thermodynamic stability) indicates that this missense variant is not expected to disrupt ANKRD11 protein function with a negative predictive value of 95%. In summary, the available evidence is currently insufficient to determine the role of this variant in disease. Therefore, it has been classified as a Variant of Uncertain Significance.

NM_013275.6(ANKRD11):c.5974A>G (p.Lys1992Glu)

Gene: ANKRD11 (ankyrin repeat domain 11; minus strand). Cytogenetic location: 16q24.3.
Variant type: single nucleotide variant.
Coding change: c.5974A>G on transcript NM_013275.6 (MANE Select); coding-DNA position 5974, A replaced by G.
Protein change: p.Lys1992Glu; replaces lysine 1992 with glutamic acid.
Molecular consequence: missense variant.
Genome position (GRCh38, 1-based): chr16:89,280,568, T>C on the plus strand (A>G on the coding strand, the complement: ANKRD11 is on the minus strand). VCF-style: chr16-89280568-T-C. GRCh37 (hg19) VCF-style: chr16-89346976-T-C.
Other names: c.5974A>G, p.Lys1992Glu (NM_001256182.2, NM_001256183.2); short protein forms K1992E.
Identifiers: ClinVar variation 2884466 (VCV002884466.3), dbSNP rs763207005, ClinGen allele CA8241652.
Genomic context (GRCh38, chr16:89,280,568, plus strand): 5'-CCGAGGCGCTGAAGGGCCCTGGGGCGGCAGAGTGGAGGGGGTCCGCGGGGCAGAAACGCT[T>C]TGGGGACTCGGGGAATCTCTGTGGAGACTTCAGCAGGAGGTCCGAGCCCACAGGCCAGCT-3'
Protein context (NP_037407.4, residues 1982-2002): KSPQRFPESP[Lys1992Glu]RFCPADPLHS